The following is an entry in ClinVar:

NM_001160148.2(DDHD1):c.668C>G (p.Ser223Cys)

Gene: DDHD1 (DDHD domain containing 1; minus strand). Cytogenetic location: 14q22.1.
Variant type: single nucleotide variant.
Coding change: c.668C>G on transcript NM_001160148.2 (MANE Select); coding-DNA position 668, C replaced by G.
Protein change: p.Ser223Cys; replaces serine 223 with cysteine.
Molecular consequence: missense variant.
Genome position (GRCh38, 1-based): chr14:53,152,431, G>C on the plus strand (C>G on the coding strand, the complement: DDHD1 is on the minus strand). VCF-style: chr14-53152431-G-C. GRCh37 (hg19) VCF-style: chr14-53619149-G-C.
Other names: c.668C>G, p.Ser223Cys (NM_001160147.2, NM_030637.3); short protein forms S223C.
Identifiers: ClinVar variation 1417671 (VCV001417671.8), dbSNP rs2139934413, ClinGen allele CA389780259.

ClinVar aggregate classification (germline): Uncertain significance (1 of 4 stars; one submission).

Conditions:
Hereditary spastic paraplegia 28. Also called: Spastic paraplegia 28, autosomal recessive. Identifiers: Orphanet 101008, MedGen C1836295, MONDO:0012256, OMIM 609340.

Submission:

Labcorp Genetics (formerly Invitae), Labcorp
Classification: Uncertain significance for Hereditary spastic paraplegia 28. Last evaluated: 2022-06-08. Review status: criteria provided, single submitter. Criteria: Invitae Variant Classification Sherloc (09022015). Collection method: clinical testing. Allele origin: germline.
Comment: In summary, the available evidence is currently insufficient to determine the role of this variant in disease. Therefore, it has been classified as a Variant of Uncertain Significance. Algorithms developed to predict the effect of missense changes on protein structure and function output the following: SIFT: "Deleterious"; PolyPhen-2: "Benign"; Align-GVGD: "Class C0". The cysteine amino acid residue is found in multiple mammalian species, which suggests that this missense change does not adversely affect protein function. This variant has not been reported in the literature in individuals affected with DDHD1-related conditions. This variant is not present in population databases (gnomAD no frequency). This sequence change replaces serine, which is neutral and polar, with cysteine, which is neutral and slightly polar, at codon 223 of the DDHD1 protein (p.Ser223Cys).